The following is an entry in ClinVar:

ClinVar aggregate classification (germline): Likely pathogenic. Review status: reviewed by expert panel (3 of 4 stars). 2 submissions from 2 submitters: Likely pathogenic (1). 1 of the submissions does not count toward it. Last evaluated 2025-11-06.

Conditions:
Bernard Soulier syndrome (BSS). Also called: BLEEDING DISORDER, PLATELET-TYPE, 1; GLYCOPROTEIN Ib, PLATELET, DEFICIENCY OF; PLATELET GLYCOPROTEIN Ib DEFICIENCY; VON WILLEBRAND FACTOR RECEPTOR DEFICIENCY; Giant platelet syndrome; Hemorrhagiparous thrombocytic dystrophy. Identifiers: Orphanet 274, MedGen C0005129, MeSH D001606, MONDO:0009276, OMIM 231200.

gnomAD v4.1: 4 of 1,614,052 alleles (0.00025%); highest among the groups gnomAD compares: Non-Finnish European, 0.00034%; no homozygotes.

Submissions (2):

ClinGen Platelet Disorders Variant Curation Expert Panel, ClinGen
Classification: Likely pathogenic for Bernard Soulier syndrome. Last evaluated: 2025-11-06. Review status: reviewed by expert panel. Criteria: ClinGen Platelet ACMG Specifications GP1BA V1.0.0. Collection method: curation. Allele origin: germline. Inheritance: Autosomal recessive inheritance.
Comment: The c.667T>G variant in GP1BA is a missense variant predicted to cause substitution of Tryptophan by Glycine at amino acid 223 (p.Trp223Gly). At least one patient (Patient 2 in PMID:17083647) with this variant had aggregation absent for ristocetin and present for all other agonists as well as absent expression of GPIba measured by Western blot, which is highly specific for Bernard-Soulier syndrome. Additionally, the patient had excessive mucocutaneous bleeding which is consistent with Bernard-Soulier syndrome (PP4). The variant has been reported to segregate in this proband plus 1 additional homozygous BSS affected family members (1 point, PP1, PMID: 17083647). This variant has been detected in at least 2 probands with Bernard-Soulier syndrome (PMID: 17083647 and internal lab contributor). These two individuals were both homozygous for the variant (1 point, PM3). Surface expression of GP1ba measured by flow cytometry in BHK cells transiently co-transfected with c.667T>G (p.Trp223Gly) variant GP1BA, and wild type GP1BB and GP9 showed decreased expression at trace WT levels, indicating that this variant impacts protein function (PMID: 17083647)(PS3_supporting). The Grpmax Filtering allele frequency in gnomAD v4.1.0 is 7.900e-7 (based on 4/1179888 alleles) in the European (non-Finnish) population, which is lower than the ClinGen PD VCEP threshold (<0.0001114; PM2_Supporting). In summary, this variant meets the criteria to be classified as Likely Pathogenic for autosomal recessive Bernard-Soulier syndrome based on the ACMG/AMP criteria applied, as specified by the ClinGen PD VCEP: PM3, PP1, PP4, PM2_Supporting and PS3_Supporting (VCEP specifications version 1).

Women's Health and Genetics/Laboratory Corporation of America, LabCorp
Classification: Pathogenic for Bernard Soulier syndrome. Last evaluated: 2025-12-10. Review status: criteria provided, single submitter. Criteria: LabCorp Variant Classification Summary - May 2015. Collection method: clinical testing. Allele origin: germline. Not counted in ClinVar's aggregate classification.
Comment: Variant summary: GP1BA c.667T>G (p.Trp223Gly) results in a non-conservative amino acid change in the encoded protein sequence. Algorithms developed to predict the effect of missense changes on protein structure and function are either unavailable or do not agree on the potential impact of this missense change. The variant allele was found at a frequency of 4e-06 in 249268 control chromosomes (gnomAD). c.667T>G has been observed in individuals affected with Bernard Soulier Syndrome (Rosenberg_2007). These data indicate that the variant is likely to be associated with disease. At least one publication reports experimental evidence evaluating an impact on protein function, findind that the variant results in a loss of cell surface expression (Rosenberg_2007). The following publication has been ascertained in the context of this evaluation (PMID: 17083647). No submitters have cited clinical-significance assessments for this variant to ClinVar. Based on the evidence outlined above, the variant was classified as pathogenic.

Literature cited by the submitters: PubMed 17083647 (cited by Women's Health and Genetics/Laboratory Corporation of America, LabCorp).

NM_000173.7(GP1BA):c.667T>G (p.Trp223Gly)

Gene: GP1BA (glycoprotein Ib platelet subunit alpha; plus strand). Cytogenetic location: 17p13.2.
Variant type: single nucleotide variant.
Coding change: c.667T>G on transcript NM_000173.7 (MANE Select); coding-DNA position 667, T replaced by G.
Protein change: p.Trp223Gly; replaces tryptophan 223 with glycine.
Molecular consequence: missense variant.
Genome position (GRCh38, 1-based): chr17:4,933,271, T>G. VCF-style: chr17-4933271-T-G. GRCh37 (hg19) VCF-style: chr17-4836566-T-G.
Other names: NM_000173.7:c.667T>G; short protein forms W223G.
Identifiers: ClinVar variation 4539002 (VCV004539002.2).
Genomic context (GRCh38, chr17:4,933,271, plus strand): 5'-ATACCAAAGGGCTTTTTTGGGTCCCACCTCCTGCCTTTTGCTTTTCTCCACGGGAACCCC[T>G]GGTTATGCAACTGTGAGATCCTCTATTTTCGTCGCTGGCTGCAGGACAATGCTGAAAATG-3'
Protein context (NP_000164.5, residues 213-233): LPFAFLHGNP[Trp223Gly]LCNCEILYFR